The following is an entry in ClinVar:

NM_182961.4(SYNE1):c.20863-3del

Gene: SYNE1 (spectrin repeat containing nuclear envelope protein 1; minus strand). Cytogenetic location: 6q25.2.
Variant type: Deletion.
Coding change: c.20863-3del on transcript NM_182961.4 (MANE Select); 3 bases into the intron before coding-DNA position 20863, one base deleted (T; older notation c.20863-3delT).
Molecular consequence: intron variant.
Genome position (GRCh38, 1-based): chr6:152,231,570, A deleted on the plus strand (T on the coding strand, the reverse complement: SYNE1 is on the minus strand); the first of 9 consecutive A bases (chr6:152,231,570-152,231,578); deleting any one gives the same sequence. VCF-style (leftmost placement, unchanged base first): chr6-152231569-TA-T. GRCh37 (hg19) VCF-style: chr6-152552704-TA-T.
Other names: NC_000006.11:g.152552713del; c.20650-3del (NM_033071.5); c.20863-11del (NM_182961.4).
Identifiers: ClinVar variation 3034850 (VCV003034850.4), dbSNP rs755011653, ClinGen allele CA4054307.
Genomic context (GRCh38, chr6:152,231,569, plus strand): 5'-ACGGACTGGTTCACAAAATCCACTGTCAGCTGTTTACAGTTAATGTCTATCTTAAAACCC[TA>T]AAAAAAAAGAGGAGAAAATAAGATTATACAATAAATGTCTCATTAGTTTTCCAGGAGTTG-3'

ClinVar aggregate classification (germline): Benign. Review status: criteria provided, single submitter (1 of 4 stars). 2 submissions from 2 submitters: Benign (1). 1 of the submissions does not count toward it. Last evaluated 2025-03-05.

Conditions:
Autosomal recessive ataxia, Beauce type. Also called: Spinocerebellar ataxia, autosomal recessive 8; ATAXIA, RECESSIVE, OF BEAUCE; SYNE1-Related Autosomal Recessive Cerebellar Ataxia; SYNE1 Deficiency. Identifiers: Orphanet 88644, MedGen C1853116, MONDO:0012549, OMIM 610743.
Emery-Dreifuss muscular dystrophy 4, autosomal dominant (EDMD4). Also called: EMERY-DREIFUSS MUSCULAR DYSTROPHY 4 WITH VARIABLE FEATURES. Identifiers: Orphanet 261, MedGen C2751807, MONDO:0013071, OMIM 612998.
SYNE1-related disorder. Also called: SYNE1-related disorders; SYNE1-related disease; SYNE1-related condition.

Submissions (5):

Labcorp Genetics (formerly Invitae), Labcorp
Classification: Benign for Emery-Dreifuss muscular dystrophy 4, autosomal dominant; Autosomal recessive ataxia, Beauce type. Last evaluated: 2025-03-05. Review status: criteria provided, single submitter. Criteria: Invitae Variant Classification Sherloc (09022015). Collection method: clinical testing. Allele origin: germline.

PreventionGenetics, part of Exact Sciences
Classification: Likely benign for SYNE1-related condition. Last evaluated: 2019-08-06. Review status: no assertion criteria provided. Collection method: clinical testing. Allele origin: germline. Not counted in ClinVar's aggregate classification.
Comment: This variant is classified as likely benign based on ACMG/AMP sequence variant interpretation guidelines (Richards et al. 2015 PMID: 25741868, with internal and published modifications).

Dr. Peter K. Rogan Lab, Western University
No classification provided (evidence only). Condition: Clear cell carcinoma of kidney. Review status: no classification provided. Collection method: in vitro. Allele origin: not applicable. Functional consequence: retained intron. Not counted in ClinVar's aggregate classification.

Dr. Peter K. Rogan Lab, Western University
No classification provided (evidence only). Condition: Clear cell carcinoma of kidney. Review status: no classification provided. Collection method: in vitro. Allele origin: not applicable. Functional consequence: retained intron. Not counted in ClinVar's aggregate classification.

Dr. Peter K. Rogan Lab, Western University
No classification provided (evidence only). Condition: Clear cell carcinoma of kidney. Review status: no classification provided. Collection method: in vitro. Allele origin: not applicable. Functional consequence: retained intron. Not counted in ClinVar's aggregate classification.